The following is an entry in ClinVar:

ClinVar aggregate classification (germline): Uncertain significance (1 of 4 stars; one submission).

Allele frequency attached by ClinVar (database versions not stated): gnomAD exomes below 0.00001.

Submission:

Labcorp Genetics (formerly Invitae), Labcorp
Classification: Uncertain significance. Last evaluated: 2024-04-30. Review status: criteria provided, single submitter. Criteria: Invitae Variant Classification Sherloc (09022015). Collection method: clinical testing. Allele origin: germline.
Comment: This sequence change replaces glycine, which is neutral and non-polar, with arginine, which is basic and polar, at codon 14 of the PSMB4 protein (p.Gly14Arg). The frequency data for this variant in the population databases is considered unreliable, as metrics indicate poor data quality at this position in the gnomAD database. This variant has not been reported in the literature in individuals affected with PSMB4-related conditions. ClinVar contains an entry for this variant (Variation ID: 1949738). An algorithm developed to predict the effect of missense changes on protein structure and function (PolyPhen-2) suggests that this variant is likely to be tolerated. In summary, the available evidence is currently insufficient to determine the role of this variant in disease. Therefore, it has been classified as a Variant of Uncertain Significance.

NM_002796.3(PSMB4):c.40G>A (p.Gly14Arg)

Gene: PSMB4 (proteasome 20S subunit beta 4; plus strand). Cytogenetic location: 1q21.3.
Variant type: single nucleotide variant.
Coding change: c.40G>A on transcript NM_002796.3 (MANE Select); coding-DNA position 40, G replaced by A.
Protein change: p.Gly14Arg; replaces glycine 14 with arginine.
Molecular consequence: missense variant.
Genome position (GRCh38, 1-based): chr1:151,399,627, G>A. VCF-style: chr1-151399627-G-A. GRCh37 (hg19) VCF-style: chr1-151372103-G-A.
Other names: short protein forms G14R.
Identifiers: ClinVar variation 1949738 (VCV001949738.5), dbSNP rs1415641906, ClinGen allele CA341919102.